The following is an entry in ClinVar:

NM_007194.4(CHEK2):c.679_680delinsCT (p.Gly227Leu)

Gene: CHEK2 (checkpoint kinase 2; minus strand). Cytogenetic location: 22q12.1.
Variant type: Indel.
Coding change: c.679_680delinsCT on transcript NM_007194.4 (MANE Select); coding-DNA positions 679 to 680, GG replaced by CT.
Protein change: p.Gly227Leu; replaces glycine 227 with leucine.
Molecular consequence: missense variant. On other transcripts: intron variant (1).
Genome position (GRCh38, 1-based): chr22:28,719,398-28,719,399, CC replaced by AG on the plus strand (GG replaced by CT on the coding strand, the reverse complement: CHEK2 is on the minus strand). VCF-style: chr22-28719398-CC-AG. GRCh37 (hg19) VCF-style: chr22-29115386-CC-AG.
Other names: c.808_809delinsCT, p.Gly270Leu (NM_001005735.3, NM_001438294.1); c.16_17delinsCT, p.Gly6Leu (NM_001257387.3, NM_001437942.1); c.772_773delinsCT, p.Gly258Leu (NM_001438293.1, NM_001438295.1); c.679_680delinsCT, p.Gly227Leu (NM_145862.3); c.482+5487_482+5488delinsCT (NM_001349956.3); short protein forms G270L, G227L, G6L, G258L.
Identifiers: ClinVar variation 2697464 (VCV002697464.3), dbSNP rs2518008091, ClinGen allele CA2697552640.

ClinVar aggregate classification (germline): Uncertain significance (1 of 4 stars; one submission).

Conditions:
Familial cancer of breast. Also called: hereditary breast carcinoma; Hereditary breast cancer; BREAST CANCER, FAMILIAL. Identifiers: Orphanet 227535, MedGen C0346153, MONDO:0016419, OMIM 114480. Disease mechanism: loss of function.

Submission:

Labcorp Genetics (formerly Invitae), Labcorp
Classification: Uncertain significance for Familial cancer of breast. Last evaluated: 2023-06-07. Review status: criteria provided, single submitter. Criteria: Invitae Variant Classification Sherloc (09022015). Collection method: clinical testing. Allele origin: germline.
Comment: In summary, the available evidence is currently insufficient to determine the role of this variant in disease. Therefore, it has been classified as a Variant of Uncertain Significance. An algorithm developed to predict the effect of missense changes on protein structure and function (PolyPhen-2) suggests that this variant is likely to be disruptive. This variant has not been reported in the literature in individuals affected with CHEK2-related conditions. Information on the frequency of this variant in the gnomAD database is not available, as this variant may be reported differently in the database. This sequence change replaces glycine, which is neutral and non-polar, with leucine, which is neutral and non-polar, at codon 227 of the CHEK2 protein (p.Gly227Leu).